The following is an entry in ClinVar:

ClinVar aggregate classification (germline): Likely pathogenic (0 of 4 stars; one submission).

Conditions:
PADI6-related disorder. Also called: PADI6-related condition.

Submission:

PreventionGenetics, part of Exact Sciences
Classification: Likely pathogenic for PADI6-related condition. Last evaluated: 2024-05-29. Review status: no assertion criteria provided. Collection method: clinical testing. Allele origin: germline.
Comment: The PADI6 c.441dupA variant is predicted to result in a frameshift and premature protein termination (p.Trp148Metfs*20). To our knowledge, this variant has not been reported in the literature. This variant is reported in 0.0032% of alleles in individuals of Latino descent in gnomAD. Frameshift variants in PADI6 are expected to be pathogenic. This variant is interpreted as likely pathogenic.

NM_207421.4(PADI6):c.441dup (p.Trp148fs)

Gene: PADI6 (peptidyl arginine deiminase 6; plus strand). Cytogenetic location: 1p36.13.
Variant type: Duplication.
Coding change: c.441dup on transcript NM_207421.4 (MANE Select); coding-DNA position 441, one base duplicated (A; older notation c.441dupA).
Protein change: p.Trp148fs; shifts the reading frame from tryptophan 148.
Molecular consequence: frameshift variant.
Genome position (GRCh38, 1-based): chr1:17,381,052, A duplicated; the last of 6 consecutive A bases (chr1:17,381,047-17,381,052); duplicating any one gives the same sequence. VCF-style (leftmost placement, unchanged base first): chr1-17381046-G-GA. GRCh37 (hg19) VCF-style: chr1-17707541-G-GA.
Other names: c.441dupA (NM_207421.4); short protein forms W148fs.
Identifiers: ClinVar variation 2633287 (VCV002633287.2), dbSNP rs1275178104, ClinGen allele CA521041742.